The following is an entry in ClinVar:

ClinVar aggregate classification (germline): Pathogenic (1 of 4 stars; one submission).

Submission:

Labcorp Genetics (formerly Invitae), Labcorp
Classification: Pathogenic. Last evaluated: 2022-05-11. Review status: criteria provided, single submitter. Criteria: Invitae Variant Classification Sherloc (09022015). Collection method: clinical testing. Allele origin: germline.
Comment: This sequence change creates a premature translational stop signal (p.His2009Profs*3) in the POLE gene. It is expected to result in an absent or disrupted protein product. Loss-of-function variants in POLE are known to be pathogenic (PMID: 23230001, 25948378, 30503519). This variant is not present in population databases (gnomAD no frequency). For these reasons, this variant has been classified as Pathogenic. ClinVar contains an entry for this variant (Variation ID: 579209). This variant has not been reported in the literature in individuals affected with POLE-related conditions.

Literature cited by the submitters: PubMed 23230001; PubMed 25948378; PubMed 30503519.

NM_006231.4(POLE):c.6026del (p.His2009fs)

Gene: POLE (DNA polymerase epsilon, catalytic subunit; minus strand). Cytogenetic location: 12q24.33.
Variant type: Deletion.
Coding change: c.6026del on transcript NM_006231.4 (MANE Select); coding-DNA position 6026, one base deleted (A; older notation c.6026delA).
Protein change: p.His2009fs; shifts the reading frame from histidine 2009.
Molecular consequence: frameshift variant.
Genome position (GRCh38, 1-based): chr12:132,632,774, T deleted on the plus strand (A on the coding strand, the reverse complement: POLE is on the minus strand). VCF-style (leftmost placement, unchanged base first): chr12-132632773-GT-G. GRCh37 (hg19) VCF-style: chr12-133209359-GT-G.
Other names: c.6026delA (NM_006231.3); short protein forms H2009fs.
Identifiers: ClinVar variation 579209 (VCV000579209.8), dbSNP rs1565927314, ClinGen allele CA891843950.
Genomic context (GRCh38, chr12:132,632,773, plus strand): 5'-CCCCCTCCTCCTCACGGGGGTGCTCCCTGGAGCACTGCGCCTCAGCCCGTCCTTCATGCA[GT>G]GGTACACGGCCACGATGTACGCTGTGGAGAGGCACACACACCACAGGCCCTGAGTCGGGC-3'